The following is an entry in ClinVar:

NM_001042492.3(NF1):c.2695T>C (p.Leu899=)

Gene: NF1 (neurofibromin 1; plus strand). Cytogenetic location: 17q11.2.
Variant type: single nucleotide variant.
Coding change: c.2695T>C on transcript NM_001042492.3 (MANE Select); coding-DNA position 2695, T replaced by C.
Protein change: p.Leu899=; no amino-acid change (leucine 899 retained).
Molecular consequence: synonymous variant.
Genome position (GRCh38, 1-based): chr17:31,229,310, T>C. VCF-style: chr17-31229310-T-C. GRCh37 (hg19) VCF-style: chr17-29556328-T-C.
Other names: c.2695T>C, p.Leu899= (NM_000267.4).
Identifiers: ClinVar variation 3404848 (VCV003404848.9).

ClinVar aggregate classification (germline): Likely benign. Review status: criteria provided, multiple submitters, no conflicts (2 of 4 stars). 2 submissions from 2 submitters: Likely benign (2). Last evaluated 2025-08-01.

Conditions:
Cardiovascular phenotype. Identifiers: MedGen CN230736.
Hereditary cancer-predisposing syndrome. Also called: Neoplastic Syndromes, Hereditary; Tumor predisposition; Hereditary Cancer Syndrome; Hereditary neoplastic syndrome. Identifiers: Orphanet 140162, MedGen C0027672, MeSH D009386, MONDO:0015356.

Submissions (2):

CeGaT Center for Human Genetics Tuebingen
Classification: Likely benign. Last evaluated: 2025-08-01. Review status: criteria provided, single submitter. Criteria: CeGaT Center For Human Genetics Tuebingen Variant Classification Criteria Version 2. Collection method: clinical testing. Allele origin: germline. Affected: yes. Observed: 1 variant allele.
Comment: NF1: PM2:Supporting, BP4, BP7

Ambry Genetics
Classification: Likely benign for Cardiovascular phenotype; Hereditary cancer-predisposing syndrome. Last evaluated: 2024-10-22. Review status: criteria provided, single submitter. Criteria: Ambry Variant Classification Scheme 2023. Collection method: clinical testing. Allele origin: germline.